The following is an entry in ClinVar:

NM_000430.4(PAFAH1B1):c.1080G>A (p.Lys360=)

Gene: PAFAH1B1 (platelet activating factor acetylhydrolase 1b regulatory subunit 1; plus strand). Cytogenetic location: 17p13.3.
Variant type: single nucleotide variant.
Coding change: c.1080G>A on transcript NM_000430.4 (MANE Select); coding-DNA position 1080, G replaced by A.
Protein change: p.Lys360=; no amino-acid change (lysine 360 retained).
Molecular consequence: synonymous variant.
Genome position (GRCh38, 1-based): chr17:2,680,241, G>A. VCF-style: chr17-2680241-G-A. GRCh37 (hg19) VCF-style: chr17-2583535-G-A.
Identifiers: ClinVar variation 1550131 (VCV001550131.31), dbSNP rs1195364379, ClinGen allele CA497427314.

ClinVar aggregate classification (germline): Likely benign. Review status: criteria provided, multiple submitters, no conflicts (2 of 4 stars). 2 submissions from 2 submitters: Likely benign (2). Last evaluated 2026-02-01.

Allele frequency attached by ClinVar (database versions not stated): gnomAD exomes 0.00001; TOPMed 0.00001; gnomAD 0.00002.
gnomAD v4.1: 19 of 1,613,358 alleles (0.0012%); highest among the groups gnomAD compares: Non-Finnish European, 0.0016%; no homozygotes.

Submissions (2):

Labcorp Genetics (formerly Invitae), Labcorp
Classification: Likely benign. Last evaluated: 2026-02-01. Review status: criteria provided, single submitter. Criteria: Invitae Variant Classification Sherloc (09022015). Collection method: clinical testing. Allele origin: germline.

CeGaT Center for Human Genetics Tuebingen
Classification: Likely benign. Last evaluated: 2022-12-01. Review status: criteria provided, single submitter. Criteria: CeGaT Center For Human Genetics Tuebingen Variant Classification Criteria Version 2. Collection method: clinical testing. Allele origin: germline. Affected: yes. Observed: 1 variant allele.
Comment: PAFAH1B1: BP4